The following is an entry in ClinVar:

NM_005591.4(MRE11):c.253G>A (p.Gly85Ser)

Gene: MRE11 (MRE11 double strand break repair nuclease; minus strand). Cytogenetic location: 11q21.
Variant type: single nucleotide variant.
Coding change: c.253G>A on transcript NM_005591.4 (MANE Select); coding-DNA position 253, G replaced by A.
Protein change: p.Gly85Ser; replaces glycine 85 with serine.
Molecular consequence: missense variant.
Genome position (GRCh38, 1-based): chr11:94,485,985, C>T on the plus strand (G>A on the coding strand, the complement: MRE11 is on the minus strand). VCF-style: chr11-94485985-C-T. GRCh37 (hg19) VCF-style: chr11-94219151-C-T.
Other names: c.253G>A, p.Gly85Ser (NM_001330347.2, NM_005590.4); short protein forms G85S.
Identifiers: ClinVar variation 1800027 (VCV001800027.6), dbSNP rs2496619684, ClinGen allele CA382379538.

ClinVar aggregate classification (germline): Uncertain significance. Review status: criteria provided, multiple submitters, no conflicts (2 of 4 stars). 3 submissions from 3 submitters: Uncertain significance (3). Last evaluated 2022-06-27.

Conditions:
Ataxia-telangiectasia-like disorder (ATLD). Identifiers: MedGen C1858391, MONDO:0011457.
Hereditary cancer-predisposing syndrome. Also called: Neoplastic Syndromes, Hereditary; Tumor predisposition; Hereditary Cancer Syndrome; Hereditary neoplastic syndrome. Identifiers: Orphanet 140162, MedGen C0027672, MeSH D009386, MONDO:0015356.
Ataxia-telangiectasia-like disorder 1 (ATLD1). Identifiers: Orphanet 251347, MedGen C4012790, MONDO:0024557, OMIM 604391.

Submissions (3):

Labcorp Genetics (formerly Invitae), Labcorp
Classification: Uncertain significance for Ataxia-telangiectasia-like disorder. Last evaluated: 2022-06-27. Review status: criteria provided, single submitter. Criteria: Invitae Variant Classification Sherloc (09022015). Collection method: clinical testing. Allele origin: germline.
Comment: This sequence change replaces glycine, which is neutral and non-polar, with serine, which is neutral and polar, at codon 85 of the MRE11 protein (p.Gly85Ser). This variant is not present in population databases (gnomAD no frequency). This variant has not been reported in the literature in individuals affected with MRE11-related conditions. Algorithms developed to predict the effect of missense changes on protein structure and function are either unavailable or do not agree on the potential impact of this missense change (SIFT: "Deleterious"; PolyPhen-2: "Probably Damaging"; Align-GVGD: "Class C0"). In summary, the available evidence is currently insufficient to determine the role of this variant in disease. Therefore, it has been classified as a Variant of Uncertain Significance.

Ambry Genetics
Classification: Uncertain significance for Hereditary cancer-predisposing syndrome. Last evaluated: 2022-06-04. Review status: criteria provided, single submitter. Criteria: Ambry Variant Classification Scheme 2023. Collection method: clinical testing. Allele origin: germline.
Comment: The p.G85S variant (also known as c.253G>A), located in coding exon 3 of the MRE11A gene, results from a G to A substitution at nucleotide position 253. The glycine at codon 85 is replaced by serine, an amino acid with similar properties. This amino acid position is conserved. In addition, this alteration is predicted to be deleterious by in silico analysis. Since supporting evidence is limited at this time, the clinical significance of this alteration remains unclear.

Juno Genomics, Hangzhou Juno Genomics, Inc
Classification: Uncertain significance for Ataxia-telangiectasia-like disorder 1. Review status: criteria provided, single submitter. Criteria: ACMG Guidelines, 2015. Collection method: clinical testing. Allele origin: germline. Affected: yes.
Comment: Absent from controls (or at extremely low frequency if recessive) in Genome Aggregation Database, Exome Sequencing Project, 1000 Genomes Project, or Exome Aggregation Consortium.;Multiple lines of computational evidence support a deleterious effect on the gene or gene product (conservation, evolutionary, splicing impact, etc).;For recessive disorders, detected in trans with a pathogenic variant.;Patient's phenotype or family history is highly specific for a disease with a single genetic etiology.